The following is an entry in ClinVar:

ClinVar aggregate classification (germline): Likely benign (0 of 4 stars; one submission).

Conditions:
MEG3-related disorder. Also called: MEG3-related condition.

Allele frequency attached by ClinVar (database versions not stated): 1000 Genomes Project 30x 0.00094; gnomAD 0.00105; 1000 Genomes Project 0.00120; TOPMed 0.00122.

Submission:

PreventionGenetics, part of Exact Sciences
Classification: Likely benign for MEG3-related condition. Last evaluated: 2022-05-27. Review status: no assertion criteria provided. Collection method: clinical testing. Allele origin: germline.
Comment: This variant is classified as likely benign based on ACMG/AMP sequence variant interpretation guidelines (Richards et al. 2015 PMID: 25741868, with internal and published modifications).

NR_046473.1(MEG3):n.6706G>T

Gene: MEG3 (maternally expressed 3; plus strand). Cytogenetic location: 14q32.2.
Variant type: single nucleotide variant.
Molecular consequence: non-coding transcript variant (on NR_046473.1).
Genome position: GRCh38 VCF-style: chr14-100851322-G-T. GRCh37 (hg19) VCF-style: chr14-101317659-G-T.
Identifiers: ClinVar variation 3034698 (VCV003034698.2), dbSNP rs147252650, ClinGen allele CA266870638.